The following is an entry in ClinVar:

NM_020779.4(WDR35):c.932G>T (p.Trp311Leu)

Gene: WDR35 (WD repeat domain 35; minus strand). Cytogenetic location: 2p24.1.
Variant type: single nucleotide variant.
Coding change: c.932G>T on transcript NM_020779.4 (MANE Select); coding-DNA position 932, G replaced by T.
Protein change: p.Trp311Leu; replaces tryptophan 311 with leucine.
Molecular consequence: missense variant.
Genome position (GRCh38, 1-based): chr2:19,969,556, C>A on the plus strand (G>T on the coding strand, the complement: WDR35 is on the minus strand). VCF-style: chr2-19969556-C-A. GRCh37 (hg19) VCF-style: chr2-20169317-C-A.
Other names: c.932G>T, p.Trp311Leu (NM_001006657.2); short protein forms W311L.
Identifiers: ClinVar variation 446644 (VCV000446644.16), dbSNP rs200649783, ClinGen allele CA1543388.

ClinVar aggregate classification (germline): Conflicting classifications of pathogenicity. Review status: criteria provided, conflicting classifications (1 of 4 stars). 9 submissions from 7 submitters: Likely pathogenic (2); Uncertain significance (1). 6 of the submissions do not count toward it. Last evaluated 2021-02-08.

Conditions:
Cranioectodermal dysplasia 2 (CED2). Identifiers: Orphanet 1515, MedGen C3150874, MONDO:0013323, OMIM 613610.
SHORT-RIB THORACIC DYSPLASIA 7 WITHOUT POLYDACTYLY.
Short-rib thoracic dysplasia 7/20 with polydactyly, digenic. Identifiers: MedGen C4747658, MONDO:0800356.
Jeune thoracic dystrophy. Also called: Short-rib thoracic dysplasia; Jeune syndrome; Infantile thoracic dystrophy; Thoracic pelvic phalangeal dystrophy; Jeune's syndrome; Chondroectodermal dysplasia-like syndrome. Identifiers: Orphanet 474, MedGen C0265275, MONDO:0018770.
Short rib-polydactyly syndrome. Identifiers: Orphanet 1505, MedGen C0036996, MONDO:0015461.
Short-rib thoracic dysplasia 7 with or without polydactyly (SRTD7). Also called: Short rib polydactyly syndrome 5; SHORT-RIB THORACIC DYSPLASIA 7 WITH POLYDACTYLY. Identifiers: Orphanet 498497, Orphanet 93271, MedGen C3279792, MONDO:0013569, OMIM 614091.

Allele frequency attached by ClinVar (database versions not stated): ExAC 0.00002; gnomAD exomes 0.00002 and 0.00003; TOPMed 0.00002; gnomAD 0.00003.
gnomAD v4.1: 53 of 1,613,732 alleles (0.0033%); highest among the groups gnomAD compares: Non-Finnish European, 0.0042%; no homozygotes.

Submissions (9):

GeneDx
Classification: Uncertain significance. Last evaluated: 2021-02-08. Review status: criteria provided, single submitter. Criteria: GeneDx Variant Classification Process June 2021. Collection method: clinical testing. Allele origin: germline. Affected: yes.
Comment: Observed with another WDR35 variant in two unrelated patients in published literature with skeletal ciliopathies and one patient with nephronophthisis, retinitis pigmentosa, liver cirrhosis and autism, but it is not known whether the variants occurred on the same (in cis) or on different (in trans) chromosomes in all cases (Duran et al., 2017; Zhang et al., 2018; Stokman et al., 2018); Reported as a single heterozygous variant in a patient in published literature with short-rib polydactyly syndrome who also had a heterozygous variant in the INTU gene inherited from the other parent; the authors suggested this may represent digenic inheritance (Toriyama et al., 2016); In silico analysis supports that this missense variant has a deleterious effect on protein structure/function; This variant is associated with the following publications: (PMID: 29068549, 28400947, 27158779, 29974258)

ARUP Laboratories, Molecular Genetics and Genomics, ARUP Laboratories
Classification: Likely pathogenic. Last evaluated: 2020-03-03. Review status: criteria provided, single submitter. Criteria: ARUP Molecular Germline Variant Investigation Process. Collection method: clinical testing. Allele origin: germline.
Comment: The WDR35 c.932G>T; p.Trp311Leu variant (rs200649783) is reported in the literature in the compound heterozygous state in individuals affected with short-rib polydactyly syndrome (Toriyama 2016, Zhang 2018). This variant is reported in ClinVar (Variation ID: 446644), and is only observed on six alleles in the Genome Aggregation Database, indicating it is not a common polymorphism. The tryptophan at codon 311 is highly conserved, and computational analyses (SIFT, PolyPhen-2) predict that this variant is deleterious. Based on available information, this variant is considered to be likely pathogenic. References: Toriyama M et al. The ciliopathy-associated CPLANE proteins direct basal body recruitment of intraflagellar transport machinery. Nat Genet. 2016 Jun;48(6):648-56. Zhang W et al. Expanding the genetic architecture and phenotypic spectrum in the skeletal ciliopathies. Hum Mutat. 2018 Jan;39(1):152-166.

SIB Swiss Institute of Bioinformatics
Classification: Likely pathogenic for Short-rib thoracic dysplasia 7 with or without polydactyly. Last evaluated: 2018-10-15. Review status: criteria provided, single submitter. Criteria: ACMG Guidelines, 2015. Collection method: curation. Allele origin: unknown.
Comment: This variant is interpreted as Likely Pathogenic, for Short-rib thoracic dysplasia 7 with or without polydactyly, autosomal recessive. The following ACMG Tag(s) were applied: PM2 => Absent from controls (or at extremely low frequency if recessive) in Exome Sequencing Project, 1000 Genomes Project, or Exome Aggregation Consortium. PP3 => Multiple lines of computational evidence support a deleterious effect on the gene or gene product. PM3 => For recessive disorders, detected in trans with a pathogenic variant (PubMed 27158779) (PubMed 28400947). PS3 => Well-established functional studies show a deleterious effect (PubMed 28400947).

OMIM
Classification: Pathogenic for SHORT-RIB THORACIC DYSPLASIA 7 WITHOUT POLYDACTYLY. Last evaluated: 2018-04-02. Review status: no assertion criteria provided. Collection method: literature only. Allele origin: germline. Not counted in ClinVar's aggregate classification.

OMIM
Classification: Pathogenic for SHORT-RIB THORACIC DYSPLASIA 7/20 WITH POLYDACTYLY, DIGENIC. Last evaluated: 2018-04-02. Review status: no assertion criteria provided. Collection method: literature only. Allele origin: germline. Not counted in ClinVar's aggregate classification.

Dan Cohn Lab, University Of California Los Angeles
Classification: Pathogenic for Asphyxiating thoracic dystrophy. Last evaluated: 2017-06-01. Review status: no assertion criteria provided. Collection method: research. Allele origin: maternal. Affected: yes. Not counted in ClinVar's aggregate classification.

University of Washington Center for Mendelian Genomics, University of Washington
Classification: Likely pathogenic for Short Rib Polydactyly Syndrome. Last evaluated: 2017-03-30. Review status: no assertion criteria provided. Collection method: research. Allele origin: unknown. Affected: yes. Observed: 1 compound heterozygote. Not counted in ClinVar's aggregate classification.

Joint Genome Diagnostic Labs from Nijmegen and Maastricht, Radboudumc and MUMC+
Classification: Likely pathogenic for Cranioectodermal dysplasia 2. Review status: no assertion criteria provided. Collection method: research. Allele origin: inherited. Affected: yes. Not counted in ClinVar's aggregate classification.

University of Washington Center for Mendelian Genomics, University of Washington
Classification: Likely pathogenic for asphyxiating thoracic dystrophy. Review status: no assertion criteria provided. Collection method: research. Allele origin: inherited. Affected: yes. Not counted in ClinVar's aggregate classification.

Literature cited by the submitters: PubMed 27158779 (cited by SIB Swiss Institute of Bioinformatics and OMIM); PubMed 28400947 (cited by 3 submitters); PubMed 29068549 (cited by Dan Cohn Lab, University Of California Los Angeles and University of Washington Center for Mendelian Genomics, University of Washington).